The following is an entry in ClinVar:

ClinVar aggregate classification (germline): Pathogenic/Likely pathogenic. Review status: criteria provided, multiple submitters, no conflicts (2 of 4 stars). 7 submissions from 7 submitters: Pathogenic (5); Likely pathogenic (1). 1 of the submissions does not count toward it. Last evaluated 2024-09-18.

Conditions:
Hereditary cancer-predisposing syndrome. Also called: Neoplastic Syndromes, Hereditary; Hereditary Cancer Syndrome; Hereditary neoplastic syndrome; Tumor predisposition. Identifiers: Orphanet 140162, MedGen C0027672, MeSH D009386, MONDO:0015356.
Familial cancer of breast. Also called: BREAST CANCER, FAMILIAL; Hereditary breast cancer; hereditary breast carcinoma. Identifiers: Orphanet 227535, MedGen C0346153, MONDO:0016419, OMIM 114480. Disease mechanism: loss of function.

Allele frequency attached by ClinVar (database versions not stated): gnomAD exomes below 0.00001.
gnomAD v4.1: 1 of 1,614,012 alleles (0.000062%); highest among the groups gnomAD compares: Non-Finnish European, 0.000085%; no homozygotes.

Submissions (7):

Labcorp Genetics (formerly Invitae), Labcorp
Classification: Pathogenic for Familial cancer of breast. Last evaluated: 2024-09-18. Review status: criteria provided, single submitter. Criteria: Invitae Variant Classification Sherloc (09022015). Collection method: clinical testing. Allele origin: germline.
Comment: This sequence change creates a premature translational stop signal (p.Tyr1108*) in the PALB2 gene. While this is not anticipated to result in nonsense mediated decay, it is expected to disrupt the last 79 amino acid(s) of the PALB2 protein. This variant is present in population databases (no rsID available, gnomAD 0.0009%). This premature translational stop signal has been observed in individual(s) with breast cancer (PMID: 25330149). ClinVar contains an entry for this variant (Variation ID: 460990). RNA analysis performed to evaluate the impact of this premature translational stop signal on mRNA splicing indicates it does not significantly alter splicing (internal data). This variant disrupts a region of the PALB2 protein in which other variant(s) (p.Tyr1183*) have been determined to be pathogenic (PMID: 17200671, 20927582, 21165770, 21365267, 26283626, 26296701). This suggests that this is a clinically significant region of the protein, and that variants that disrupt it are likely to be disease-causing. For these reasons, this variant has been classified as Pathogenic.

Myriad Genetics, Inc.
Classification: Pathogenic for Familial cancer of breast. Last evaluated: 2023-09-15. Review status: criteria provided, single submitter. Criteria: Myriad Autosomal Dominant, Autosomal Recessive and X-Linked Classification Criteria (2023). Collection method: clinical testing. Allele origin: unknown.
Comment: This variant is considered pathogenic. This variant creates a termination codon and is predicted to result in premature protein truncation.

GeneDx
Classification: Pathogenic. Last evaluated: 2023-07-07. Review status: criteria provided, single submitter. Criteria: GeneDx Variant Classification Process June 2021. Collection method: clinical testing. Allele origin: germline. Affected: yes.
Comment: Nonsense variant predicted to result in protein truncation in a gene for which loss of function is a known mechanism of disease; Not observed at significant frequency in large population cohorts (gnomAD); Truncating variants in this gene are considered pathogenic by a well-established clinical consortium and/or database; Identified in individual(s) with breast cancer (Cybulski et al., 2015); This variant is associated with the following publications: (PMID: 34426522, 25330149, 33084842, 31173646, 29922827)

Ambry Genetics
Classification: Pathogenic for Hereditary cancer-predisposing syndrome. Last evaluated: 2022-11-01. Review status: criteria provided, single submitter. Criteria: Ambry Variant Classification Scheme 2023. Collection method: clinical testing. Allele origin: germline.
Comment: The p.Y1108* pathogenic mutation (also known as c.3324C>G), located in coding exon 12 of the PALB2 gene, results from a C to G substitution at nucleotide position 3324. This changes the amino acid from a tyrosine to a stop codon within coding exon 12. This alteration occurs at the 3' terminus of thePALB2 gene, is not expected to trigger nonsense-mediated mRNA decay, and only impacts the last 79 amino acids of the protein. However, premature stop codons are typically deleterious in nature and the impacted region is critical for protein function (Ambry internal data). This mutation was identified in 1/144 Polish women with familial breast cancer (Cybulski C et al. Clin. Genet. 2015 Oct;88:366-70). This variant is considered to be rare based on population cohorts in the Genome Aggregation Database (gnomAD). Based on the supporting evidence, this alteration is interpreted as a disease-causing mutation.

Baylor Genetics
Classification: Pathogenic for Familial cancer of breast. Last evaluated: 2022-09-22. Review status: criteria provided, single submitter. Criteria: ACMG Guidelines, 2015. Collection method: clinical testing. Allele origin: unknown.

Sema4
Classification: Likely pathogenic for Hereditary cancer-predisposing syndrome. Last evaluated: 2022-03-06. Review status: criteria provided, single submitter. Criteria: Sema4 Curation Guidelines. Collection method: curation. Allele origin: germline.
Comment: The PALB2 c.3324C>G (p.Y1108X) variant has been reported in heterozygosity in at least one individual with breast cancer (PMID: 25330149). As this variant is not predicted to cause nonsense-mediated decay, the protein product is expected to be truncated. Loss of function variants in PALB2 are known to be pathogenic (PMID: 17200668). This variant was observed in 1/251466 chromosomes across the different populations included in the Genome Aggregation Database (PMID: 32461654). The variant has been reported in ClinVar (Variation ID: 460990). Based on the current evidence available, this variant is interpreted as likely pathogenic.

Leiden Open Variation Database
Classification: Uncertain significance for Familial cancer of breast. Last evaluated: 2019-05-13. Review status: no assertion criteria provided. Collection method: curation. Allele origin: germline. Affected: yes. Not counted in ClinVar's aggregate classification.
Comment: Curators: Marc Tischkowitz, Arleen D. Auerbach. Submitter to LOVD: Marc Tischkowitz.

Literature cited by the submitters: PubMed 25330149 (cited by 4 submitters); PubMed 17200671 (cited by Labcorp Genetics (formerly Invitae), Labcorp); PubMed 20927582 (cited by Labcorp Genetics (formerly Invitae), Labcorp); PubMed 21165770 (cited by Labcorp Genetics (formerly Invitae), Labcorp); PubMed 21365267 (cited by Labcorp Genetics (formerly Invitae), Labcorp); PubMed 26283626 (cited by Labcorp Genetics (formerly Invitae), Labcorp); PubMed 26296701 (cited by Labcorp Genetics (formerly Invitae), Labcorp); PubMed 17200668 (cited by Sema4).

NM_024675.4(PALB2):c.3324C>G (p.Tyr1108Ter)

Gene: PALB2 (partner and localizer of BRCA2; minus strand). Cytogenetic location: 16p12.2.
Variant type: single nucleotide variant.
Coding change: c.3324C>G on transcript NM_024675.4 (MANE Select); coding-DNA position 3324, C replaced by G.
Protein change: p.Tyr1108Ter; replaces tyrosine 1108 with a stop codon.
Molecular consequence: nonsense.
Genome position (GRCh38, 1-based): chr16:23,607,890, G>C on the plus strand (C>G on the coding strand, the complement: PALB2 is on the minus strand). VCF-style: chr16-23607890-G-C. GRCh37 (hg19) VCF-style: chr16-23619211-G-C.
Other names: short protein forms Y1108*.
Identifiers: ClinVar variation 460990 (VCV000460990.18), dbSNP rs1218512317, ClinGen allele CA395139370.